The following is an entry in ClinVar:

ClinVar aggregate classification (germline): Uncertain significance (1 of 4 stars; one submission).

Submission:

Greenwood Genetic Center Diagnostic Laboratories, Greenwood Genetic Center
Classification: Uncertain significance. Last evaluated: 2025-10-29. Review status: criteria provided, single submitter. Criteria: ACMG Guidelines, 2015. Collection method: clinical testing. Allele origin: germline. Affected: yes.
Comment: PM2, PP3

NM_007078.3(LDB3):c.321+5G>A

Gene: LDB3 (LIM domain binding 3; plus strand). Cytogenetic location: 10q23.2.
Variant type: single nucleotide variant.
Coding change: c.321+5G>A on transcript NM_007078.3 (MANE Select); 5 bases into the intron after coding-DNA position 321, G replaced by A.
Molecular consequence: intron variant.
Genome position (GRCh38, 1-based): chr10:86,680,162, G>A. VCF-style: chr10-86680162-G-A. GRCh37 (hg19) VCF-style: chr10-88439919-G-A.
Other names: c.321+5G>A (NM_001080116.1, NM_001368064.1, NM_001368063.1 and 8 more transcripts).
Identifiers: ClinVar variation 4845612 (VCV004845612.1).